The following is an entry in ClinVar:

NM_175914.5(HNF4A):c.658G>A (p.Val220Met)

Gene: HNF4A (hepatocyte nuclear factor 4 alpha; plus strand). Cytogenetic location: 20q13.12.
Variant type: single nucleotide variant.
Coding change: c.658G>A on transcript NM_175914.5 (MANE Select); coding-DNA position 658, G replaced by A.
Protein change: p.Val220Met; replaces valine 220 with methionine.
Molecular consequence: missense variant.
Genome position (GRCh38, 1-based): chr20:44,418,500, G>A. VCF-style: chr20-44418500-G-A. GRCh37 (hg19) VCF-style: chr20-43047140-G-A.
Other names: NM_175914.5(HNF4A):c.658G>A; p.Val220Met; c.724G>A, p.Val242Met (NM_000457.6, NM_178849.3, NM_178850.3); c.658G>A, p.Val220Met (NM_001030003.3, NM_001030004.3); c.703G>A, p.Val235Met (NM_001258355.2); c.649G>A, p.Val217Met (NM_001287182.2, NM_001287183.2, NM_001287184.2); c.658G>A (NM_175914.3); short protein forms V217M, V220M, V242M, V235M.
Identifiers: ClinVar variation 562363 (VCV000562363.5), dbSNP rs202105574, ClinGen allele CA9870333.

ClinVar aggregate classification (germline): Uncertain significance. Review status: reviewed by expert panel (3 of 4 stars). 5 submissions from 5 submitters: Uncertain significance (1). 4 of the submissions do not count toward it. Last evaluated 2026-04-23.

Conditions:
Monogenic diabetes. Identifiers: Orphanet 183625, MedGen C3888631, MONDO:0015967.
Maturity-onset diabetes of the young (MODY). Also called: Maturity onset diabetes mellitus in young. Identifiers: Orphanet 552, MedGen C0342276, MONDO:0018911, HP:0004904.

Allele frequency attached by ClinVar (database versions not stated): gnomAD 0.00002 and 0.00003; TOPMed 0.00012; 1000 Genomes Project 30x 0.00016; 1000 Genomes Project 0.00020.
gnomAD v4.1: 19 of 1,612,620 alleles (0.0012%); highest among the groups gnomAD compares: East Asian, 0.0067%; no homozygotes.

Submissions (5):

ClinGen Monogenic Diabetes Variant Curation Expert Panel
Classification: Uncertain significance for Monogenic diabetes. Last evaluated: 2026-04-23. Review status: reviewed by expert panel. Criteria: ClinGen Diabetes ACMG Specifications HNF4A V4.0.0. Collection method: curation. Allele origin: germline. Inheritance: Autosomal dominant inheritance.
Comment: The c.658G>A variant in the hepatic nuclear factor 4-alpha gene, HNF4A, causes an amino acid change of valine to methionine at codon 220 (p.(Val220Met)) of NM_175914.5. This variant is located within the ligand-binding domain (codons 180-220 and 300-350) of HNF4A, which is defined as critical for the protein’s function by the ClinGen MDEP (PM1_Supporting).This variant is predicted to be deleterious by computational evidence, with a REVEL score of 0.758, which is greater than the MDEP VCEP threshold of 0.70 (PP3). This variant has a Grpmax filtering allele frequency of 0.00001773 in gnomAD v4.1.0, which falls between ClinGen MDEP-established cutoffs for PM2_Supporting and BS1; thus, neither criterion will be applied. This variant was identified in 11 unrelated individuals with non- autoimmune and non-absolute/near-absolute insulin-deficient diabetes; however, PS4 cannot be applied because the variant Grpmax in gnomAD v4.1 is above the ClinGen MDEP PM2_Supporting cutoff (PMIDs: 26773576, 26552609, 29120028, internal lab contributors). At least 2 of these individuals had a clinical history highly specific for HNF4A-MODY (MODY probability calculator result >50%, negative genetic testing for HNF1A, and negative antibodies) (PP4_Moderate; internal lab contributors). This variant was identified in a patient with an alternate molecular basis for disease (congenital hyperinsulinism; BP5; internal lab contributors). In summary, c.658G>A meets the criteria to be classified as a variant of uncertain significance for monogenic diabetes. ACMG/AMP criteria applied, as specified by the ClinGen MDEP (specification version 4.0.0, approved 10/10/2025): PP4_Moderate, PP3, PM1_Supporting, PM2_Supporting, BP5.

Labcorp Genetics (formerly Invitae), Labcorp
Classification: Uncertain significance. Last evaluated: 2025-11-25. Review status: criteria provided, single submitter. Criteria: Invitae Variant Classification Sherloc (09022015). Collection method: clinical testing. Allele origin: germline. Not counted in ClinVar's aggregate classification.
Comment: This sequence change replaces valine, which is neutral and non-polar, with methionine, which is neutral and non-polar, at codon 220 of the HNF4A protein (p.Val220Met). This variant is present in population databases (rs202105574, gnomAD 0.005%). This missense change has been observed in individual(s) with HNF4A-related conditions (PMID: 26552609, 30586318, 31291970). This variant is also known as c.724G>A (p.Val242Met). ClinVar contains an entry for this variant (Variation ID: 562363). Invitae Evidence Modeling of protein sequence and biophysical properties (such as structural, functional, and spatial information, amino acid conservation, physicochemical variation, residue mobility, and thermodynamic stability) has been performed for this missense variant. However, the output from this modeling did not meet the statistical confidence thresholds required to predict the impact of this variant on HNF4A protein function. In summary, the available evidence is currently insufficient to determine the role of this variant in disease. Therefore, it has been classified as a Variant of Uncertain Significance.

GeneDx
Classification: Uncertain significance. Last evaluated: 2025-03-25. Review status: criteria provided, single submitter. Criteria: GeneDx Variant Classification Process June 2021. Collection method: clinical testing. Allele origin: germline. Affected: yes. Not counted in ClinVar's aggregate classification.
Comment: Reported in association with maturity-onset diabetes of the young; however, detailed clinical information was not provided (PMID: 23348805, 26552609); Not observed at significant frequency in large population cohorts (gnomAD); In silico analysis indicates that this missense variant does not alter protein structure/function; This variant is associated with the following publications: (PMID: 23348805, 29120028, 26773576, 26552609, 31291970, 30586318, 36007526)

Clinical Genomics, Uppaluri K&H Personalized Medicine Clinic
Classification: Uncertain risk allele for Maturity-onset diabetes of the young. Review status: criteria provided, single submitter. Criteria: K & H Uppaluri Personalized Medicine Clinic Variant Classification & Assertion Criteria_Updated V.1. Collection method: research. Allele origin: unknown. Inheritance: Autosomal dominant inheritance. Not counted in ClinVar's aggregate classification.
Comment: Potent mutations in HNF4A are associated with poor insulin secretion in response to hyperglycemia. Associated with MODY1. Patients initially respond well to sulfonylureas but eventually become insulin dependent. However, more evidence is required to ascertain the role of this particular variant rs202105574 in MODY, yet.

Gharavi Laboratory, Columbia University
Classification: Likely pathogenic. Last evaluated: 2018-09-16. Review status: no assertion criteria provided. Criteria: ACMG Guidelines, 2015. Collection method: research. Allele origin: germline. Affected: yes. Not counted in ClinVar's aggregate classification.

Literature cited by the submitters: PubMed 26773576 (cited by ClinGen Monogenic Diabetes Variant Curation Expert Panel); PubMed 26552609 (cited by ClinGen Monogenic Diabetes Variant Curation Expert Panel and Labcorp Genetics (formerly Invitae), Labcorp); PubMed 29120028 (cited by ClinGen Monogenic Diabetes Variant Curation Expert Panel); PubMed 30586318 (cited by Labcorp Genetics (formerly Invitae), Labcorp); PubMed 31291970 (cited by Labcorp Genetics (formerly Invitae), Labcorp); PubMed 18268044 (cited by Clinical Genomics, Uppaluri K&H Personalized Medicine Clinic); PubMed 17563455 (cited by Clinical Genomics, Uppaluri K&H Personalized Medicine Clinic); PubMed 32583173 (cited by Clinical Genomics, Uppaluri K&H Personalized Medicine Clinic); PubMed 35052457 (cited by Clinical Genomics, Uppaluri K&H Personalized Medicine Clinic); PubMed 35118593 (cited by Clinical Genomics, Uppaluri K&H Personalized Medicine Clinic); DOI 10.1159/000334532 (cited by Clinical Genomics, Uppaluri K&H Personalized Medicine Clinic).